The following is an entry in ClinVar:

NM_014334.4(FRRS1L):c.755G>A (p.Arg252His)

Gene: FRRS1L (ferric chelate reductase 1 like; minus strand). Cytogenetic location: 9q31.3.
Variant type: single nucleotide variant.
Coding change: c.755G>A on transcript NM_014334.4 (MANE Select); coding-DNA position 755, G replaced by A.
Protein change: p.Arg252His; replaces arginine 252 with histidine.
Molecular consequence: missense variant.
Genome position (GRCh38, 1-based): chr9:109,137,582, C>T on the plus strand (G>A on the coding strand, the complement: FRRS1L is on the minus strand). VCF-style: chr9-109137582-C-T. GRCh37 (hg19) VCF-style: chr9-111899862-C-T.
Other names: short protein forms R252H.
Identifiers: ClinVar variation 847412 (VCV000847412.8), dbSNP rs369193985, ClinGen allele CA5177319.
Genomic context (GRCh38, chr9:109,137,582, plus strand): 5'-AAGGTTTGATAGGCAGCTGATGGCATAAAAATGTCTTCATACTTGTAAATACTGACAACA[C>T]GCTCTGAAGCCGGCGGTGAGTCTATATCATGTCGAGTGATAGAGCCTTTAAGAAAAAAAG-3'
Protein context (NP_055149.3, residues 242-262): HDIDSPPASE[Arg252His]VVSIYKYEDI

ClinVar aggregate classification (germline): Uncertain significance. Review status: criteria provided, multiple submitters, no conflicts (2 of 4 stars). 2 submissions from 2 submitters: Uncertain significance (2). Last evaluated 2022-10-13.

Conditions:
Developmental and epileptic encephalopathy, 37 (DEE37). Also called: Epileptic encephalopathy, early infantile, 37. Identifiers: MedGen C4310770, MONDO:0014859, OMIM 616981.

Allele frequency attached by ClinVar (database versions not stated): ExAC 0.00001; gnomAD 0.00001; gnomAD exomes 0.00002; TOPMed 0.00004; ESP Exome Variant Server 0.00008.
gnomAD v4.1: 21 of 1,611,330 alleles (0.0013%); highest among the groups gnomAD compares: Middle Eastern, 0.016%; no homozygotes.

Submissions (2):

Labcorp Genetics (formerly Invitae), Labcorp
Classification: Uncertain significance for Developmental and epileptic encephalopathy, 37. Last evaluated: 2022-10-13. Review status: criteria provided, single submitter. Criteria: Invitae Variant Classification Sherloc (09022015). Collection method: clinical testing. Allele origin: germline.
Comment: This sequence change replaces arginine, which is basic and polar, with histidine, which is basic and polar, at codon 303 of the FRRS1L protein (p.Arg303His). This variant is present in population databases (rs369193985, gnomAD 0.007%). This variant has not been reported in the literature in individuals affected with FRRS1L-related conditions. ClinVar contains an entry for this variant (Variation ID: 847412). Algorithms developed to predict the effect of missense changes on protein structure and function (SIFT, PolyPhen-2, Align-GVGD) all suggest that this variant is likely to be tolerated. In summary, the available evidence is currently insufficient to determine the role of this variant in disease. Therefore, it has been classified as a Variant of Uncertain Significance.

GeneDx
Classification: Uncertain significance. Last evaluated: 2022-05-09. Review status: criteria provided, single submitter. Criteria: GeneDx Variant Classification Process June 2021. Collection method: clinical testing. Allele origin: germline. Affected: yes.
Comment: Not observed at significant frequency in large population cohorts (gnomAD); In silico analysis supports that this missense variant does not alter protein structure/function; Has not been previously published as pathogenic or benign to our knowledge